The following is an entry in ClinVar:

NM_152564.5(VPS13B):c.6657+1G>T

Gene: VPS13B (vacuolar protein sorting 13 homolog B; plus strand). Cytogenetic location: 8q22.2.
Variant type: single nucleotide variant.
Coding change: c.6657+1G>T on transcript NM_152564.5 (MANE Select); the canonical splice donor site of the intron after coding-DNA position 6657, G replaced by T.
Molecular consequence: splice donor variant.
Genome position (GRCh38, 1-based): chr8:99,717,374, G>T. VCF-style: chr8-99717374-G-T. GRCh37 (hg19) VCF-style: chr8-100729602-G-T.
Other names: c.6732+1G>T (NM_017890.5).
Identifiers: ClinVar variation 552918 (VCV000552918.8), dbSNP rs180177366, ClinGen allele CA371867505.
Genomic context (GRCh38, chr8:99,717,374, plus strand): 5'-CCAGGCCCAGAACAATCCATACCAAAAATATCCATTGACTTAAGAGGAGGTCTACTACAG[G>T]TCTGTGGGTATTGGCCATATTTTTTTCATAGGTTATTAACTAGCCTCTGTTCATTTTTTG-3'

ClinVar aggregate classification (germline): Pathogenic. Review status: criteria provided, multiple submitters, no conflicts (2 of 4 stars). 4 submissions from 4 submitters: Pathogenic (3). 1 of the submissions does not count toward it. Last evaluated 2025-11-06.

Conditions:
Inborn genetic diseases. Identifiers: MedGen C0950123, MeSH D030342.
Cohen syndrome (COH1). Also called: Cutis verticis gyrata, retinitis pigmentosa, and sensorineural deafness; PEPPER SYNDROME. Identifiers: Orphanet 193, MedGen C0265223, MONDO:0008999, OMIM 216550.

gnomAD v4.1: 2 of 1,613,286 alleles (0.00012%); highest among the groups gnomAD compares: African/African-American, 0.0027%; no homozygotes.

Submissions (4):

Natera, Inc.
Classification: Pathogenic for Cohen syndrome. Last evaluated: 2025-11-06. Review status: criteria provided, single submitter. Criteria: Natera Variant Classification Schema (03/2026). Collection method: clinical testing. Allele origin: germline.
Comment: The c.6732+1G>T variant in VPS13B is a canonical splice donor site variant predicted to affect pre-mRNA splicing, which may result in an abnormal transcript and altered protein product. This variant is expected to result in nonsense mediated decay, truncation, or a dysfunctional protein product. This variant is rare in the general population with a frequency below the threshold expected for the associated phenotype(s). Another variant at this same site results in an alteration predicted to cause a similar molecular effect has been observed in individual(s) with the associated phenotype. Given the available evidence, this variant is classified as Pathogenic.

Labcorp Genetics (formerly Invitae), Labcorp
Classification: Pathogenic for Cohen syndrome. Last evaluated: 2023-06-04. Review status: criteria provided, single submitter. Criteria: Invitae Variant Classification Sherloc (09022015). Collection method: clinical testing. Allele origin: germline.
Comment: For these reasons, this variant has been classified as Pathogenic. Studies have shown that disruption of this splice site results in activation of a cryptic splice site and introduces a premature termination codon (PMID: 16648375). The resulting mRNA is expected to undergo nonsense-mediated decay. ClinVar contains an entry for this variant (Variation ID: 552918). Disruption of this splice site has been observed in individuals with Cohen syndrome (PMID: 15141358, 16648375, 25472526). This variant is not present in population databases (gnomAD no frequency). This sequence change affects a donor splice site in intron 37 of the VPS13B gene. RNA analysis indicates that disruption of this splice site induces altered splicing and may result in an absent or disrupted protein product.

Ambry Genetics
Classification: Pathogenic for Inborn genetic diseases. Last evaluated: 2018-02-20. Review status: criteria provided, single submitter. Criteria: Ambry Variant Classification Scheme 2023. Collection method: clinical testing. Allele origin: germline.
Comment: The c.6732+1G>T intronic pathogenic mutation results from a G to T substitution one nucleotide after coding exon 36 of the VPS13B gene. This variant has been detected in trans with another pathogenic mutation in VPS13B by our laboratory. Alterations that disrupt the canonical splice site are expected to cause aberrant splicing, resulting in an abnormal protein or a transcript that is subject to nonsense-mediated mRNA decay. As such, this alteration is classified as a disease-causing mutation.

Counsyl
Classification: Likely pathogenic for Cohen syndrome. Last evaluated: 2017-07-18. Review status: no assertion criteria provided. Collection method: clinical testing. Allele origin: unknown. Not counted in ClinVar's aggregate classification.

Literature cited by the submitters: PubMed 16648375 (cited by Labcorp Genetics (formerly Invitae), Labcorp); PubMed 15141358 (cited by Labcorp Genetics (formerly Invitae), Labcorp); PubMed 25472526 (cited by Labcorp Genetics (formerly Invitae), Labcorp).